The following is an entry in ClinVar:

NM_012470.4(TNPO3):c.1723G>T (p.Asp575Tyr)

Gene: TNPO3 (transportin 3; minus strand). Cytogenetic location: 7q32.1.
Variant type: single nucleotide variant.
Coding change: c.1723G>T on transcript NM_012470.4 (MANE Select); coding-DNA position 1723, G replaced by T.
Protein change: p.Asp575Tyr; replaces aspartic acid 575 with tyrosine.
Molecular consequence: missense variant. On other transcripts: non-coding transcript variant (18).
Genome position (GRCh38, 1-based): chr7:128,984,227, C>A on the plus strand (G>T on the coding strand, the complement: TNPO3 is on the minus strand). VCF-style: chr7-128984227-C-A. GRCh37 (hg19) VCF-style: chr7-128624281-C-A.
Other names: c.1531G>T, p.Asp511Tyr (NM_001191028.3, NM_001382223.1); c.1825G>T, p.Asp609Tyr (NM_001382216.1); c.1804G>T, p.Asp602Tyr (NM_001382217.1); c.1723G>T, p.Asp575Tyr (NM_001382218.1, NM_001382220.1); c.1615G>T, p.Asp539Tyr (NM_001382219.1); c.1579G>T, p.Asp527Tyr (NM_001382221.1); c.1576G>T, p.Asp526Tyr (NM_001382222.1); short protein forms D511Y, D526Y, D609Y, D539Y, D575Y, D527Y, D602Y.
Identifiers: ClinVar variation 1507974 (VCV001507974.8), dbSNP rs2150331941, ClinGen allele CA369224921.

ClinVar aggregate classification (germline): Uncertain significance (1 of 4 stars; one submission).

Conditions:
Autosomal dominant limb-girdle muscular dystrophy type 1F (LGMDD2). Also called: Limb-girdle muscular dystrophy, type 1F; MUSCULAR DYSTROPHY, LIMB-GIRDLE, AUTOSOMAL DOMINANT 2. Identifiers: Orphanet 55595, MedGen C1842062, MONDO:0012034, OMIM 608423.

Submission:

Labcorp Genetics (formerly Invitae), Labcorp
Classification: Uncertain significance for Autosomal dominant limb-girdle muscular dystrophy type 1F. Last evaluated: 2021-02-21. Review status: criteria provided, single submitter. Criteria: Invitae Variant Classification Sherloc (09022015). Collection method: clinical testing. Allele origin: germline.
Comment: This sequence change replaces aspartic acid with tyrosine at codon 575 of the TNPO3 protein (p.Asp575Tyr). The aspartic acid residue is moderately conserved and there is a large physicochemical difference between aspartic acid and tyrosine. This variant is not present in population databases (ExAC no frequency). This variant has not been reported in the literature in individuals with TNPO3-related conditions. Algorithms developed to predict the effect of missense changes on protein structure and function are either unavailable or do not agree on the potential impact of this missense change (SIFT: "Deleterious"; PolyPhen-2: "Benign"; Align-GVGD: "Class C0"). In summary, the available evidence is currently insufficient to determine the role of this variant in disease. Therefore, it has been classified as a Variant of Uncertain Significance.